The following is an entry in ClinVar:

ClinVar aggregate classification (germline): Conflicting classifications of pathogenicity. Review status: criteria provided, conflicting classifications (1 of 4 stars). 4 submissions from 4 submitters: Uncertain significance (3); Likely benign (1). Last evaluated 2026-06-10.

Conditions:
TTN-related disorder. Also called: TTN-related condition; TTN-related disease; TTN-related disorders.
Dilated cardiomyopathy 1G (CMD1G). Identifiers: Orphanet 154, MedGen C1858763, MONDO:0011400, OMIM 604145.
Autosomal recessive limb-girdle muscular dystrophy type 2J (LGMDR10). Also called: MUSCULAR DYSTROPHY, LIMB-GIRDLE, AUTOSOMAL RECESSIVE 10; Limb-girdle muscular dystrophy, type 2J. Identifiers: Orphanet 140922, MedGen C1837342, MONDO:0012127, OMIM 608807.

Allele frequency attached by ClinVar (database versions not stated): TOPMed below 0.00001; gnomAD 0.00001; gnomAD exomes 0.00001.
gnomAD v4.1: 18 of 1,613,278 alleles (0.0011%); highest among the groups gnomAD compares: Non-Finnish European, 0.0015%; no homozygotes.

Submissions (4):

PreventionGenetics, part of Exact Sciences
Classification: Uncertain significance for TTN-related condition. Last evaluated: 2026-06-10. Review status: criteria provided, single submitter. Criteria: ACMG Guidelines, 2015. Collection method: clinical testing. Allele origin: germline.
Comment: The TTN c.77781T>G variant is predicted to result in the amino acid substitution p.Ile25927Met. To our knowledge, this variant has not been reported in the literature. This variant is reported in 0.0018% of alleles in individuals of European (Non-Finnish) descent in gnomAD. At this time, the clinical significance of this variant is uncertain due to the absence of conclusive functional and genetic evidence.

Women's Health and Genetics/Laboratory Corporation of America, LabCorp
Classification: Uncertain significance. Last evaluated: 2025-12-02. Review status: criteria provided, single submitter. Criteria: LabCorp Variant Classification Summary - May 2015. Collection method: clinical testing. Allele origin: germline.

Molecular Diagnostic Laboratory for Inherited Cardiovascular Disease, Montreal Heart Institute
Classification: Likely benign. Last evaluated: 2025-04-09. Review status: criteria provided, single submitter. Criteria: ACMG Guidelines, 2015. Collection method: clinical testing. Allele origin: germline. Affected: no.

Labcorp Genetics (formerly Invitae), Labcorp
Classification: Uncertain significance for Dilated cardiomyopathy 1G; Autosomal recessive limb-girdle muscular dystrophy type 2J. Last evaluated: 2017-11-17. Review status: criteria provided, single submitter. Criteria: Invitae Variant Classification Sherloc (09022015). Collection method: clinical testing. Allele origin: germline.

NM_001267550.2(TTN):c.77781T>G (p.Ile25927Met)

Genes: TTN (titin; minus strand), TTN-AS1 (TTN antisense RNA 1; plus strand). Cytogenetic location: 2q31.2.
Variant type: single nucleotide variant.
Coding change: c.77781T>G on transcript NM_001267550.2 (MANE Select); coding-DNA position 77781, T replaced by G.
Protein change: p.Ile25927Met; replaces isoleucine 25927 with methionine.
Molecular consequence: missense variant.
Genome position (GRCh38, 1-based): chr2:178,568,351, A>C on the plus strand (T>G on the coding strand, the complement: TTN is on the minus strand). VCF-style: chr2-178568351-A-C. GRCh37 (hg19) VCF-style: chr2-179433078-A-C.
Other names: c.72858T>G, p.Ile24286Met (NM_001256850.1); c.50586T>G, p.Ile16862Met (NM_003319.4); c.70077T>G, p.Ile23359Met (NM_133378.4); c.50961T>G, p.Ile16987Met (NM_133432.3); c.51162T>G, p.Ile17054Met (NM_133437.4); short protein forms I25927M, I16862M, I17054M, I24286M, I16987M, I23359M.
Identifiers: ClinVar variation 535255 (VCV000535255.6), dbSNP rs1226545466, ClinGen allele CA349604843.